The following is an entry in ClinVar:

ClinVar aggregate classification (germline): Uncertain significance. Review status: criteria provided, multiple submitters, no conflicts (2 of 4 stars). 2 submissions from 2 submitters: Uncertain significance (2). Last evaluated 2026-01-14.

Conditions:
Familial cancer of breast. Also called: hereditary breast carcinoma; BREAST CANCER, FAMILIAL; Hereditary breast cancer. Identifiers: Orphanet 227535, MedGen C0346153, MONDO:0016419, OMIM 114480. Disease mechanism: loss of function.

Submissions (2):

Labcorp Genetics (formerly Invitae), Labcorp
Classification: Uncertain significance for Familial cancer of breast. Last evaluated: 2026-01-14. Review status: criteria provided, single submitter. Criteria: Invitae Variant Classification Sherloc (09022015). Collection method: clinical testing. Allele origin: germline.
Comment: This sequence change replaces lysine, which is basic and polar, with glutamine, which is neutral and polar, at codon 670 of the BARD1 protein (p.Lys670Gln). This variant is not present in population databases (gnomAD no frequency). This variant has not been reported in the literature in individuals affected with BARD1-related conditions. ClinVar contains an entry for this variant (Variation ID: 2679924). An algorithm developed to predict the effect of missense changes on protein structure and function (PolyPhen-2) suggests that this variant is likely to be tolerated. In summary, the available evidence is currently insufficient to determine the role of this variant in disease. Therefore, it has been classified as a Variant of Uncertain Significance.

Baylor Genetics
Classification: Uncertain significance for Familial cancer of breast. Last evaluated: 2023-07-28. Review status: criteria provided, single submitter. Criteria: ACMG Guidelines, 2015. Collection method: clinical testing. Allele origin: unknown.

NM_000465.4(BARD1):c.2008A>C (p.Lys670Gln)

Gene: BARD1 (BRCA1 associated RING domain 1; minus strand). Cytogenetic location: 2q35.
Variant type: single nucleotide variant.
Coding change: c.2008A>C on transcript NM_000465.4 (MANE Select); coding-DNA position 2008, A replaced by C.
Protein change: p.Lys670Gln; replaces lysine 670 with glutamine.
Molecular consequence: missense variant. On other transcripts: non-coding transcript variant (3).
Genome position (GRCh38, 1-based): chr2:214,729,002, T>G on the plus strand (A>C on the coding strand, the complement: BARD1 is on the minus strand). VCF-style: chr2-214729002-T-G. GRCh37 (hg19) VCF-style: chr2-215593726-T-G.
Other names: c.1951A>C, p.Lys651Gln (NM_001282543.2); c.655A>C, p.Lys219Gln (NM_001282545.2); c.598A>C, p.Lys200Gln (NM_001282548.2); c.469A>C, p.Lys157Gln (NM_001282549.2); short protein forms K157Q, K200Q, K219Q, K651Q, K670Q.
Identifiers: ClinVar variation 2679924 (VCV002679924.3), dbSNP rs775039040, ClinGen allele CA350450818.